The following is an entry in ClinVar:

ClinVar aggregate classification (germline): Benign (1 of 4 stars; one submission).

Allele frequency attached by ClinVar (database versions not stated): 1000 Genomes Project 0.00160; 1000 Genomes Project 30x 0.00172; TOPMed 0.00034; gnomAD 0.00051.
gnomAD v4.1: 804 of 1,019,184 alleles (0.079%); highest among the groups gnomAD compares: South Asian, 0.58%; 8 homozygotes.

Submission:

CeGaT Center for Human Genetics Tuebingen
Classification: Benign. Last evaluated: 2026-09-01. Review status: criteria provided, single submitter. Criteria: CeGaT Center For Human Genetics Tuebingen Variant Classification Criteria Version 2. Collection method: clinical testing. Allele origin: germline. Affected: yes. Observed: 8 variant alleles.
Comment: RET: BS1, BS2

NM_020975.6(RET):c.625+143C>T

Gene: RET (ret proto-oncogene; plus strand). Cytogenetic location: 10q11.21.
Variant type: single nucleotide variant.
Coding change: c.625+143C>T on transcript NM_020975.6 (MANE Select); 143 bases into the intron after coding-DNA position 625, C replaced by T.
Molecular consequence: intron variant.
Genome position (GRCh38, 1-based): chr10:43,102,772, C>T. VCF-style: chr10-43102772-C-T. GRCh37 (hg19) VCF-style: chr10-43598220-C-T.
Other names: c.625+143C>T (NM_020630.7, NM_001406743.1, NM_001406744.1 and 14 more transcripts); c.496+143C>T (NM_001406764.1, NM_001406762.1, NM_001406761.1 and 4 more transcripts); c.337+2050C>T (NM_001406770.1, NM_001406766.1, NM_001406767.1 and 8 more transcripts); c.74-6259C>T (NM_001406784.1); c.74-9327C>T (NM_001406794.1, NM_001406792.1, NM_001406793.1).
Identifiers: ClinVar variation 1711256 (VCV001711256.30), dbSNP rs539080572, ClinGen allele CA206256214.
Genomic context (GRCh38, chr10:43,102,772, plus strand): 5'-GTTTATTCTTCACCTTCATGCCATCAGTTCATTCAATATTCCAGAAGTACCTCTTGCATG[C>T]CTGCCAGGGGCCAGGTACTGTTCTAGGAGCTAAGGATATAACAATGAACACAACGGGTTG-3'